The following is an entry in ClinVar:

NM_001080476.3(GRXCR1):c.745C>G (p.Pro249Ala)

Gene: GRXCR1 (glutaredoxin and cysteine rich domain containing 1; plus strand). Cytogenetic location: 4p13.
Variant type: single nucleotide variant.
Coding change: c.745C>G on transcript NM_001080476.3 (MANE Select); coding-DNA position 745, C replaced by G.
Protein change: p.Pro249Ala; replaces proline 249 with alanine.
Molecular consequence: missense variant.
Genome position (GRCh38, 1-based): chr4:43,030,412, C>G. VCF-style: chr4-43030412-C-G. GRCh37 (hg19) VCF-style: chr4-43032429-C-G.
Other names: short protein forms P249A.
Identifiers: ClinVar variation 348823 (VCV000348823.6), dbSNP rs886059419, ClinGen allele CA10621068.
Genomic context (GRCh38, chr4:43,030,412, plus strand): 5'-CTTATACAGAGAGTACAGCATCCACATGAGTGTCCCTCTTGTGGAGGCTTTGGCTTTCTT[C>G]CATGCTCCGTGTGCCATGGGAGCAAGATGTCCATGTTTCGAAACTGCTTCACAGACTCTT-3'
Protein context (NP_001073945.1, residues 239-259): CPSCGGFGFL[Pro249Ala]CSVCHGSKMS

ClinVar aggregate classification (germline): Uncertain significance. Review status: criteria provided, multiple submitters, no conflicts (2 of 4 stars). 2 submissions from 2 submitters: Uncertain significance (2). Last evaluated 2025-08-11.

Conditions:
Autosomal recessive nonsyndromic hearing loss 25. Identifiers: Orphanet 90636, MedGen C1414017, MONDO:0013210, OMIM 613285.

Submissions (2):

GeneDx
Classification: Uncertain significance. Last evaluated: 2025-08-11. Review status: criteria provided, single submitter. Criteria: GeneDx Variant Classification Process June 2021. Collection method: clinical testing. Allele origin: germline. Affected: yes.
Comment: Not observed at significant frequency in large population cohorts (gnomAD); In silico analysis supports that this missense variant has a deleterious effect on protein structure/function; Has not been previously published as pathogenic or benign to our knowledge

Illumina Laboratory Services, Illumina
Classification: Uncertain significance for Autosomal recessive nonsyndromic hearing loss 25. Last evaluated: 2018-01-13. Review status: criteria provided, single submitter. Criteria: ICSL Variant Classification Criteria 13 December 2019. Collection method: clinical testing. Allele origin: germline.